The following is an entry in ClinVar:

NM_006348.5(COG5):c.137C>T (p.Thr46Ile)

Gene: COG5 (component of oligomeric golgi complex 5; minus strand). Cytogenetic location: 7q22.3.
Variant type: single nucleotide variant.
Coding change: c.137C>T on transcript NM_006348.5 (MANE Select); coding-DNA position 137, C replaced by T.
Protein change: p.Thr46Ile; replaces threonine 46 with isoleucine.
Molecular consequence: missense variant.
Genome position (GRCh38, 1-based): chr7:107,558,073, G>A on the plus strand (C>T on the coding strand, the complement: COG5 is on the minus strand). VCF-style: chr7-107558073-G-A. GRCh37 (hg19) VCF-style: chr7-107198518-G-A.
Other names: c.137C>T, p.Thr46Ile (NM_001161520.2, NM_001379511.1, NM_001379512.1 and 5 more transcripts); c.230C>T (NM_006348.3); short protein forms T46I.
Identifiers: ClinVar variation 1005880 (VCV001005880.7), dbSNP rs542344548, ClinGen allele CA164169516.
Genomic context (GRCh38, chr7:107,558,073, plus strand): 5'-TGGGCAAGTTTTGCTAGTTGTTCAGCAATTACAGCTTGATGAATAGATTGAGAAGTATAA[G>A]TCTTTACATCAAAGTCTTCGTTTAAAAAGTCACTATAACACCCTGGATTGGGGAAAAAAT-3'
Protein context (NP_006339.4, residues 36-56): DFLNEDFDVK[Thr46Ile]YTSQSIHQAV

ClinVar aggregate classification (germline): Uncertain significance. Review status: criteria provided, multiple submitters, no conflicts (2 of 4 stars). 2 submissions from 2 submitters: Uncertain significance (2). Last evaluated 2022-02-03.

Conditions:
Inborn genetic diseases. Identifiers: MedGen C0950123, MeSH D030342.
COG5-congenital disorder of glycosylation. Also called: CDG IIi; CONGENITAL DISORDER OF GLYCOSYLATION, TYPE IIi; COG5-CDG. Identifiers: Orphanet 263487, MedGen C3150876, MONDO:0013325, OMIM 613612.

Allele frequency attached by ClinVar (database versions not stated): 1000 Genomes Project below 0.00001; gnomAD exomes 0.00001; TOPMed 0.00002.
gnomAD v4.1: 23 of 1,613,770 alleles (0.0014%); highest among the groups gnomAD compares: East Asian, 0.042%; no homozygotes.

Submissions (2):

Ambry Genetics
Classification: Uncertain significance for Inborn genetic diseases. Last evaluated: 2022-02-03. Review status: criteria provided, single submitter. Criteria: Ambry Variant Classification Scheme 2023. Collection method: clinical testing. Allele origin: germline.

Labcorp Genetics (formerly Invitae), Labcorp
Classification: Uncertain significance for COG5-congenital disorder of glycosylation. Last evaluated: 2020-02-16. Review status: criteria provided, single submitter. Criteria: Invitae Variant Classification Sherloc (09022015). Collection method: clinical testing. Allele origin: germline.
Comment: This variant is not present in population databases (ExAC no frequency). This sequence change replaces threonine with isoleucine at codon 77 of the COG5 protein (p.Thr77Ile). The threonine residue is moderately conserved and there is a moderate physicochemical difference between threonine and isoleucine. This variant has not been reported in the literature in individuals with COG5-related conditions. In summary, the available evidence is currently insufficient to determine the role of this variant in disease. Therefore, it has been classified as a Variant of Uncertain Significance. Algorithms developed to predict the effect of missense changes on protein structure and function (SIFT, PolyPhen-2, Align-GVGD) all suggest that this variant is likely to be tolerated, but these predictions have not been confirmed by published functional studies and their clinical significance is uncertain.